The following is an entry in ClinVar:

ClinVar aggregate classification (germline): Uncertain significance (1 of 4 stars; one submission).

Submission:

CeGaT Center for Human Genetics Tuebingen
Classification: Uncertain significance. Last evaluated: 2026-02-01. Review status: criteria provided, single submitter. Criteria: CeGaT Center For Human Genetics Tuebingen Variant Classification Criteria Version 2. Collection method: clinical testing. Allele origin: germline. Affected: yes. Observed: 1 variant allele.
Comment: ELP1: PM2

NM_003640.5(ELP1):c.2372A>T (p.Asp791Val)

Gene: ELP1 (elongator acetyltransferase complex subunit 1; minus strand). Cytogenetic location: 9q31.3.
Variant type: single nucleotide variant.
Coding change: c.2372A>T on transcript NM_003640.5 (MANE Select); coding-DNA position 2372, A replaced by T.
Protein change: p.Asp791Val; replaces aspartic acid 791 with valine.
Molecular consequence: missense variant.
Genome position (GRCh38, 1-based): chr9:108,897,277, T>A on the plus strand (A>T on the coding strand, the complement: ELP1 is on the minus strand). VCF-style: chr9-108897277-T-A. GRCh37 (hg19) VCF-style: chr9-111659557-T-A.
Other names: c.2030A>T, p.Asp677Val (NM_001318360.2); c.1325A>T, p.Asp442Val (NM_001330749.2); short protein forms D442V, D677V, D791V.
Identifiers: ClinVar variation 4822002 (VCV004822002.4).
Genomic context (GRCh38, chr9:108,897,277, plus strand): 5'-GGATCCCTGGACAGGTAGACACTGCTGGTAACTGGTGCAGGGTACATGGTCTTCGTGACA[T>A]CTTCTTCTCTAAGAACAGGTGTGTATGGAATGGTCATCAACAGAACATGTAGCCCAGCGA-3'
Protein context (NP_003631.2, residues 781-801): NLFFTELKEE[Asp791Val]VTKTMYPAPV